The following is an entry in ClinVar:

NM_002354.3(EPCAM):c.74A>T (p.Glu25Val)

Gene: EPCAM (epithelial cell adhesion molecule; plus strand). Cytogenetic location: 2p21.
Variant type: single nucleotide variant.
Coding change: c.74A>T on transcript NM_002354.3 (MANE Select); coding-DNA position 74, A replaced by T.
Protein change: p.Glu25Val; replaces glutamic acid 25 with valine.
Molecular consequence: missense variant.
Genome position (GRCh38, 1-based): chr2:47,369,579, A>T. VCF-style: chr2-47369579-A-T. GRCh37 (hg19) VCF-style: chr2-47596718-A-T.
Other names: short protein forms E25V.
Identifiers: ClinVar variation 239139 (VCV000239139.7), dbSNP rs878854494, ClinGen allele CA10581974.

ClinVar aggregate classification (germline): Uncertain significance (1 of 4 stars; one submission).

Allele frequency attached by ClinVar (database versions not stated): gnomAD exomes below 0.00001.
gnomAD v4.1: 2 of 1,590,444 alleles (0.00013%); highest among the groups gnomAD compares: Non-Finnish European, 0.00017%; no homozygotes.

Submission:

Labcorp Genetics (formerly Invitae), Labcorp
Classification: Uncertain significance. Last evaluated: 2016-01-05. Review status: criteria provided, single submitter. Criteria: Invitae Variant Classification Sherloc (09022015). Collection method: clinical testing. Allele origin: germline.
Comment: Algorithms developed to predict the effect of missense changes on protein structure and function (SIFT, PolyPhen-2, Align-GVGD) all suggest that this variant is likely to be tolerated, but these predictions have not been confirmed by published functional studies In summary, this is a novel missense change with uncertain impact on splicing and protein function. There is no indication that this variant causes disease, but the evidence is insufficient at this time to prove that conclusively. Therefore, it has been classified as a Variant of Uncertain Significance. Algorithms developed to predict the effect of sequence changes on mRNA splicing suggest that this variant may alter mRNA splicing, but this prediction has not been confirmed by published transcriptional studies. This variant is not present in population databases (ExAC no frequency) and has not been reported in the literature in individuals with a EPCAM-related disease. This sequence change replaces glutamic acid with valine at codon 25 of the EPCAM protein (p.Glu25Val). The glutamic acid residue is weakly conserved and there is a moderate physicochemical difference between glutamic acid and valine.